The following is an entry in ClinVar:

NM_000252.3(MTM1):c.1080A>G (p.Val360=)

Gene: MTM1 (myotubularin 1; plus strand). Cytogenetic location: Xq28.
Variant type: single nucleotide variant.
Coding change: c.1080A>G on transcript NM_000252.3 (MANE Select); coding-DNA position 1080, A replaced by G.
Protein change: p.Val360=; no amino-acid change (valine 360 retained).
Molecular consequence: synonymous variant.
Genome position (GRCh38, 1-based): chrX:150,657,847, A>G. VCF-style: chrX-150657847-A-G. GRCh37 (hg19) VCF-style: chrX-149826320-A-G.
Other names: c.969A>G, p.Val323= (NM_001376907.1); c.1080A>G, p.Val360= (NM_001376908.1, NM_001376906.1).
Identifiers: ClinVar variation 1166175 (VCV001166175.37), dbSNP rs782202285, ClinGen allele CA10539211.
Genomic context (GRCh38, chrX:150,657,847, plus strand): 5'-ACTCCCTACTGACTCACGTATTTTTCTTTGTCAGCTCGTTTTGACAGGAGCCATTCAAGT[A>G]GCAGACAAAGTTTCTTCAGGGAAGAGTTCAGTGCTTGTGCATTGCAGTGACGGATGGGAC-3'
Protein context (NP_000243.1, residues 350-370): IKLVLTGAIQ[Val360=]ADKVSSGKSS

ClinVar aggregate classification (germline): Benign/Likely benign. Review status: criteria provided, multiple submitters, no conflicts (2 of 4 stars). 3 submissions from 3 submitters: Benign (1); Likely benign (1). 1 of the submissions does not count toward it. Last evaluated 2025-04-20.

Conditions:
Severe X-linked myotubular myopathy (CNMX). Also called: MYOTUBULAR MYOPATHY 1; X-linked centronuclear myopathy; Myotubular myopathy, X-linked. Identifiers: Orphanet 596, MedGen C0410203, MONDO:0010683, OMIM 310400.

Allele frequency attached by ClinVar (database versions not stated): TOPMed 0.00001; ExAC 0.00002; gnomAD exomes 0.00001.
gnomAD v4.1: 14 of 1,211,898 alleles (0.0012%); highest among the groups gnomAD compares: South Asian, 0.0018%; no homozygotes.

Submissions (3):

Labcorp Genetics (formerly Invitae), Labcorp
Classification: Benign for Severe X-linked myotubular myopathy. Last evaluated: 2025-04-20. Review status: criteria provided, single submitter. Criteria: Invitae Variant Classification Sherloc (09022015). Collection method: clinical testing. Allele origin: germline.

CeGaT Center for Human Genetics Tuebingen
Classification: Likely benign. Last evaluated: 2022-10-01. Review status: criteria provided, single submitter. Criteria: CeGaT Center For Human Genetics Tuebingen Variant Classification Criteria Version 2. Collection method: clinical testing. Allele origin: germline. Affected: yes. Observed: 2 variant alleles.
Comment: MTM1: BP4, BP7

Natera, Inc.
Classification: Likely benign for Severe X-linked myotubular myopathy. Last evaluated: 2020-03-13. Review status: no assertion criteria provided. Collection method: clinical testing. Allele origin: germline. Not counted in ClinVar's aggregate classification.